The following is an entry in ClinVar:

ClinVar aggregate classification (germline): Uncertain significance (1 of 4 stars; one submission).

Allele frequency attached by ClinVar (database versions not stated): ExAC 0.00001; gnomAD 0.00001; gnomAD exomes 0.00001.
gnomAD v4.1: 17 of 1,609,120 alleles (0.0011%); highest among the groups gnomAD compares: African/African-American, 0.0013%; no homozygotes.

Submission:

CeGaT Center for Human Genetics Tuebingen
Classification: Uncertain significance. Last evaluated: 2024-02-01. Review status: criteria provided, single submitter. Criteria: CeGaT Center For Human Genetics Tuebingen Variant Classification Criteria Version 2. Collection method: clinical testing. Allele origin: germline. Affected: yes. Observed: 1 variant allele.
Comment: ABCA4: PM2, BP4, BP5

NM_000350.3(ABCA4):c.2185G>A (p.Asp729Asn)

Gene: ABCA4 (ATP binding cassette subfamily A member 4; minus strand). Cytogenetic location: 1p22.1.
Variant type: single nucleotide variant.
Coding change: c.2185G>A on transcript NM_000350.3 (MANE Select); coding-DNA position 2185, G replaced by A.
Protein change: p.Asp729Asn; replaces aspartic acid 729 with asparagine.
Molecular consequence: missense variant.
Genome position (GRCh38, 1-based): chr1:94,056,798, C>T on the plus strand (G>A on the coding strand, the complement: ABCA4 is on the minus strand). VCF-style: chr1-94056798-C-T. GRCh37 (hg19) VCF-style: chr1-94522354-C-T.
Other names: short protein forms D729N.
Identifiers: ClinVar variation 3025700 (VCV003025700.22), dbSNP rs771277298, ClinGen allele CA958320.
Genomic context (GRCh38, chr1:94,056,798, plus strand): 5'-AGCACAGCATGATGGTGGCAGTGGAGAAAGCCAACAAGAACAGGAAGAGGATGAATGGGT[C>T]GCTGTAATGTAGGATTCTTCCATGCTGAAACCAAGAGGCCATGCGTCAGTAACTCCTGCC-3'
Protein context (NP_000341.2, residues 719-739): IMHGRILHYS[Asp729Asn]PFILFLFLLA